The following is an entry in ClinVar:

ClinVar aggregate classification (germline): Uncertain significance (1 of 4 stars; one submission).

Conditions:
Familial adenomatous polyposis 1 (FAP1). Also called: FAMILIAL ADENOMATOUS POLYPOSIS 1, ATTENUATED; POLYPOSIS, ADENOMATOUS INTESTINAL. Identifiers: MedGen C2713442, MONDO:0021056, OMIM 175100. Disease mechanism: loss of function.

gnomAD v4.1: 1 of 537,800 alleles (0.00019%); highest among the groups gnomAD compares: South Asian, 0.0019%; no homozygotes.

Submission:

Labcorp Genetics (formerly Invitae), Labcorp
Classification: Uncertain significance for Familial adenomatous polyposis 1. Last evaluated: 2025-12-24. Review status: criteria provided, single submitter. Criteria: Invitae Variant Classification Sherloc (09022015). Collection method: clinical testing. Allele origin: germline.
Comment: This variant occurs in a non-coding region of the APC gene. It does not change the encoded amino acid sequence of the APC protein. This variant is not present in population databases (gnomAD no frequency). This variant has not been reported in the literature in individuals affected with APC-related conditions. Experimental studies and prediction algorithms are not available or were not evaluated, and the functional significance of this variant is currently unknown. In summary, the available evidence is currently insufficient to determine the role of this variant in disease. Therefore, it has been classified as a Variant of Uncertain Significance.

NM_001127511.3(APC):c.-174C>T

Gene: APC (APC regulator of Wnt signaling pathway; plus strand). Cytogenetic location: 5q22.2.
Variant type: single nucleotide variant.
Coding change: c.-174C>T on transcript NM_001127511.3; 174 bases upstream of the start codon, C replaced by T.
Molecular consequence: 5 prime UTR variant. On other transcripts: non-coding transcript variant (2).
Genome position (GRCh38, 1-based): chr5:112,707,544, C>T. VCF-style: chr5-112707544-C-T. GRCh37 (hg19) VCF-style: chr5-112043241-C-T.
Other names: c.-124C>T (NM_001407448.1, NM_001407450.1, NM_001407457.1 and 1 more transcripts); c.-357C>T (NM_001407452.1, NM_001407456.1, NM_001407460.1 and 3 more transcripts); c.-148C>T (NM_001407453.1); c.-1392C>T (NM_001407470.1, NM_001407472.1); c.-174C>T (NM_001354897.2, NM_001354902.2, NM_001407446.1).
Identifiers: ClinVar variation 1026213 (VCV001026213.45), dbSNP rs1580995974, ClinGen allele CA1573442418.